The following is an entry in ClinVar:

ClinVar aggregate classification (germline): Conflicting classifications of pathogenicity. Review status: criteria provided, conflicting classifications (1 of 4 stars). 3 submissions from 3 submitters: Uncertain significance (2); Likely benign (1). Last evaluated 2025-08-07.

Conditions:
Inborn genetic diseases. Identifiers: MedGen C0950123, MeSH D030342.

Allele frequency attached by ClinVar (database versions not stated): ExAC 0.00001; gnomAD exomes 0.00002; gnomAD 0.00003; TOPMed 0.00003.
gnomAD v4.1: 34 of 1,613,548 alleles (0.0021%); highest among the groups gnomAD compares: East Asian, 0.013%; no homozygotes.

Submissions (3):

Labcorp Genetics (formerly Invitae), Labcorp
Classification: Uncertain significance. Last evaluated: 2025-08-07. Review status: criteria provided, single submitter. Criteria: Invitae Variant Classification Sherloc (09022015). Collection method: clinical testing. Allele origin: germline.
Comment: This sequence change replaces arginine, which is basic and polar, with histidine, which is basic and polar, at codon 1523 of the SAMD9L protein (p.Arg1523His). This variant is present in population databases (rs778834717, gnomAD 0.003%). This variant has not been reported in the literature in individuals affected with SAMD9L-related conditions. ClinVar contains an entry for this variant (Variation ID: 2172157). Invitae Evidence Modeling of protein sequence and biophysical properties (such as structural, functional, and spatial information, amino acid conservation, physicochemical variation, residue mobility, and thermodynamic stability) indicates that this missense variant is not expected to disrupt SAMD9L protein function with a negative predictive value of 80%. In summary, the available evidence is currently insufficient to determine the role of this variant in disease. Therefore, it has been classified as a Variant of Uncertain Significance.

Ambry Genetics
Classification: Uncertain significance for Inborn genetic diseases. Last evaluated: 2024-11-26. Review status: criteria provided, single submitter. Criteria: Ambry Variant Classification Scheme 2023. Collection method: clinical testing. Allele origin: germline.
Comment: The p.R1523H variant (also known as c.4568G>A), located in coding exon 1 of the SAMD9L gene, results from a G to A substitution at nucleotide position 4568. The arginine at codon 1523 is replaced by histidine, an amino acid with highly similar properties. This amino acid position is conserved. In addition, this alteration is predicted to be tolerated by in silico analysis. Based on the available evidence, the clinical significance of this variant remains unclear.

Blueprint Genetics
Classification: Likely benign. Last evaluated: 2022-10-20. Review status: criteria provided, single submitter. Criteria: ACMG Guidelines, 2015. Collection method: clinical testing. Allele origin: germline.

NM_152703.5(SAMD9L):c.4568G>A (p.Arg1523His)

Gene: SAMD9L (sterile alpha motif domain containing 9 like; minus strand). Cytogenetic location: 7q21.2.
Variant type: single nucleotide variant.
Coding change: c.4568G>A on transcript NM_152703.5 (MANE Select); coding-DNA position 4568, G replaced by A.
Protein change: p.Arg1523His; replaces arginine 1523 with histidine.
Molecular consequence: missense variant.
Genome position (GRCh38, 1-based): chr7:93,131,404, C>T on the plus strand (G>A on the coding strand, the complement: SAMD9L is on the minus strand). VCF-style: chr7-93131404-C-T. GRCh37 (hg19) VCF-style: chr7-92760717-C-T.
Other names: c.4568G>A, p.Arg1523His (NM_001303496.3, NM_001303497.3, NM_001303498.3 and 5 more transcripts); c.4568G>A (NM_152703.2); short protein forms R1523H.
Identifiers: ClinVar variation 2172157 (VCV002172157.8), dbSNP rs778834717, ClinGen allele CA4343279.